The following is an entry in ClinVar:

NM_000218.3(KCNQ1):c.*904T>C

Genes: KCNQ1-AS1 (KCNQ1 antisense RNA 1; minus strand), KCNQ1 (potassium voltage-gated channel subfamily Q member 1; plus strand). Cytogenetic location: 11p15.4.
Variant type: single nucleotide variant.
Coding change: c.*904T>C on transcript NM_000218.3 (MANE Select); 904 bases downstream of the stop codon, T replaced by C.
Molecular consequence: 3 prime UTR variant.
Genome position (GRCh38, 1-based): chr11:2,848,907, T>C. VCF-style: chr11-2848907-T-C. GRCh37 (hg19) VCF-style: chr11-2870137-T-C.
Other names: c.*904T>C (NM_001406836.1, NM_001406837.1, NM_001406838.1 and 2 more transcripts).
Identifiers: ClinVar variation 304267 (VCV000304267.8), dbSNP rs186055804, ClinGen allele CA041331.

ClinVar aggregate classification (germline): Conflicting classifications of pathogenicity. Review status: criteria provided, conflicting classifications (1 of 4 stars). 4 submissions from 1 submitter: Uncertain significance (3); Benign (1). Last evaluated 2018-01-13.

Conditions:
Jervell and Lange-Nielsen syndrome 1 (JLNS1). Also called: CARDIOAUDITORY SYNDROME OF JERVELL AND LANGE-NIELSEN; DEAFNESS, CONGENITAL, AND FUNCTIONAL HEART DISEASE; PROLONGED QT INTERVAL IN EKG AND SUDDEN DEATH; SURDO-CARDIAC SYNDROME. Identifiers: Orphanet 768, Orphanet 90647, MedGen C4551509, MONDO:0024540, OMIM 220400.
Short QT syndrome type 2. Identifiers: Orphanet 51083, MedGen C1865019, MONDO:0012313, OMIM 609621.
Atrial fibrillation, familial, 3 (ATFB3). Identifiers: MedGen C1837014, MONDO:0011857, OMIM 607554.
Long QT syndrome 1 (LQT1). Identifiers: Orphanet 101016, Orphanet 768, MedGen C4551647, MONDO:0100316, OMIM 192500, MONDO:0008646.

Allele frequency attached by ClinVar (database versions not stated): ExAC 0.00019; gnomAD exomes 0.00111 and 0.00120; 1000 Genomes Project 0.00120; gnomAD 0.00122 and 0.00125; 1000 Genomes Project 30x 0.00125; TOPMed 0.00135.
gnomAD v4.1: 518 of 454,168 alleles (0.11%); highest among the groups gnomAD compares: Admixed American, 0.24%; no homozygotes.

Submissions (4):

Illumina Laboratory Services, Illumina
Classification: Benign for Short QT syndrome type 2. Last evaluated: 2018-01-13. Review status: criteria provided, single submitter. Criteria: ICSL Variant Classification Criteria 13 December 2019. Collection method: clinical testing. Allele origin: germline.
Comment: This variant was observed in the ICSL laboratory as part of a predisposition screen in an ostensibly healthy population. It had not been previously curated by ICSL or reported in the Human Gene Mutation Database (HGMD: prior to June 1st, 2018), and was therefore a candidate for classification through an automated scoring system. Utilizing variant allele frequency, disease prevalence and penetrance estimates, and inheritance mode, an automated score was calculated to assess if this variant is too frequent to cause the disease. Based on the score and internal cut-off values, a variant classified as benign is not then subjected to further curation. The score for this variant resulted in a classification of benign for this disease.

Illumina Laboratory Services, Illumina
Classification: Uncertain significance for Jervell and Lange-Nielsen syndrome 1. Last evaluated: 2018-01-13. Review status: criteria provided, single submitter. Criteria: ICSL Variant Classification Criteria 13 December 2019. Collection method: clinical testing. Allele origin: germline.

Illumina Laboratory Services, Illumina
Classification: Uncertain significance for Atrial fibrillation, familial, 3. Last evaluated: 2018-01-13. Review status: criteria provided, single submitter. Criteria: ICSL Variant Classification Criteria 13 December 2019. Collection method: clinical testing. Allele origin: germline.

Illumina Laboratory Services, Illumina
Classification: Uncertain significance for Long QT syndrome 1. Last evaluated: 2018-01-13. Review status: criteria provided, single submitter. Criteria: ICSL Variant Classification Criteria 13 December 2019. Collection method: clinical testing. Allele origin: germline.